The following is an entry in ClinVar:

ClinVar aggregate classification (germline): Uncertain significance (1 of 4 stars; one submission).

Allele frequency attached by ClinVar (database versions not stated): gnomAD 0.00001; ExAC 0.00002.
gnomAD v4.1: 11 of 1,608,506 alleles (0.00068%); highest among the groups gnomAD compares: South Asian, 0.011%; no homozygotes.

Submission:

Labcorp Genetics (formerly Invitae), Labcorp
Classification: Uncertain significance. Last evaluated: 2022-04-09. Review status: criteria provided, single submitter. Criteria: Invitae Variant Classification Sherloc (09022015). Collection method: clinical testing. Allele origin: germline.
Comment: This sequence change falls in intron 1 of the SKIV2L gene. It does not directly change the encoded amino acid sequence of the SKIV2L protein. It affects a nucleotide within the consensus splice site. This variant is present in population databases (no rsID available, gnomAD 0.007%). This variant has not been reported in the literature in individuals affected with SKIV2L-related conditions. Variants that disrupt the consensus splice site are a relatively common cause of aberrant splicing (PMID: 17576681, 9536098). Algorithms developed to predict the effect of sequence changes on RNA splicing suggest that this variant may disrupt the consensus splice site. In summary, the available evidence is currently insufficient to determine the role of this variant in disease. Therefore, it has been classified as a Variant of Uncertain Significance.

Literature cited by the submitters: PubMed 17576681; PubMed 9536098.

NM_006929.5(SKIC2):c.22+5G>A

Gene: SKIC2 (SKI2 subunit of superkiller complex; plus strand). Cytogenetic location: 6p21.33.
Variant type: single nucleotide variant.
Coding change: c.22+5G>A on transcript NM_006929.5 (MANE Select); 5 bases into the intron after coding-DNA position 22, G replaced by A.
Molecular consequence: intron variant.
Genome position (GRCh38, 1-based): chr6:31,959,219, G>A. VCF-style: chr6-31959219-G-A. GRCh37 (hg19) VCF-style: chr6-31926996-G-A.
Identifiers: ClinVar variation 1967474 (VCV001967474.2), dbSNP rs1180364793, ClinGen allele CA3729022.
Genomic context (GRCh38, chr6:31,959,219, plus strand): 5'-TTCCGGGCTGCCAGGCAGCTGCTGTGGCTCCAGGATGATGGAGACAGAGCGACTTGGTGA[G>A]GGGGAGGGGAGGGAAATGGAACGGAGTAGCCGATATGGAATGAACTTTGACCCCTGACTT-3'